The following is an entry in ClinVar:

NM_001451.3(FOXF1):c.658G>T (p.Gly220Cys)

Gene: FOXF1 (forkhead box F1; plus strand). Cytogenetic location: 16q24.1.
Variant type: single nucleotide variant.
Coding change: c.658G>T on transcript NM_001451.3 (MANE Select); coding-DNA position 658, G replaced by T.
Protein change: p.Gly220Cys; replaces glycine 220 with cysteine.
Molecular consequence: missense variant.
Genome position (GRCh38, 1-based): chr16:86,511,227, G>T. VCF-style: chr16-86511227-G-T. GRCh37 (hg19) VCF-style: chr16-86544833-G-T.
Other names: short protein forms G220C.
Identifiers: ClinVar variation 190130 (VCV000190130.1), dbSNP rs752504125, ClinGen allele CA212544.

ClinVar aggregate classification (germline): Likely pathogenic (1 of 4 stars; one submission).

Conditions:
VATER association. Also called: VACTERL/vater association; Vacterl association. Identifiers: Orphanet 887, MedGen C4225671, MONDO:0008642, OMIM 192350.

Submission:

Reutter Lab, Institute of Human Genetics, University Hospital Bonn
Classification: Likely pathogenic for VATER association. Last evaluated: 2015-01-01. Review status: criteria provided, single submitter. Criteria: Submitter's publication. Collection method: research. Allele origin: de novo. Affected: yes. Observed: 1 variant allele. Study: Systematic search for genes to be involved in the VACTER/VACTERL association.
Comment: molecular genetic

Literature cited by the submitters: PubMed 2629409.